The following is an entry in ClinVar:

ClinVar aggregate classification (germline): Uncertain significance (1 of 4 stars; one submission).

Submission:

GeneDx
Classification: Uncertain significance. Last evaluated: 2024-06-17. Review status: criteria provided, single submitter. Criteria: GeneDx Variant Classification Process June 2021. Collection method: clinical testing. Allele origin: germline. Affected: yes.
Comment: Not observed at significant frequency in large population cohorts (gnomAD); In silico analysis indicates that this missense variant does not alter protein structure/function; Has not been previously published as pathogenic or benign to our knowledge

NM_032217.5(ANKRD17):c.373G>C (p.Glu125Gln)

Gene: ANKRD17 (ankyrin repeat domain 17; minus strand). Cytogenetic location: 4q13.3.
Variant type: single nucleotide variant.
Coding change: c.373G>C on transcript NM_032217.5 (MANE Select); coding-DNA position 373, G replaced by C.
Protein change: p.Glu125Gln; replaces glutamic acid 125 with glutamine.
Molecular consequence: missense variant.
Genome position (GRCh38, 1-based): chr4:73,258,296, C>G on the plus strand (G>C on the coding strand, the complement: ANKRD17 is on the minus strand). VCF-style: chr4-73258296-C-G. GRCh37 (hg19) VCF-style: chr4-74124013-C-G.
Other names: c.373G>C, p.Glu125Gln (NM_015574.2, NM_198889.3); short protein forms E125Q.
Identifiers: ClinVar variation 3391635 (VCV003391635.1).